The following is an entry in ClinVar:

NM_024996.7(GFM1):c.1503G>T (p.Leu501=)

Gene: GFM1 (G elongation factor mitochondrial 1; plus strand). Cytogenetic location: 3q25.32.
Variant type: single nucleotide variant.
Coding change: c.1503G>T on transcript NM_024996.7 (MANE Select); coding-DNA position 1503, G replaced by T.
Protein change: p.Leu501=; no amino-acid change (leucine 501 retained).
Molecular consequence: synonymous variant. On other transcripts: non-coding transcript variant (4).
Genome position (GRCh38, 1-based): chr3:158,665,459, G>T. VCF-style: chr3-158665459-G-T. GRCh37 (hg19) VCF-style: chr3-158383248-G-T.
Other names: c.1560G>T, p.Leu520= (NM_001308164.2); c.1503G>T, p.Leu501= (NM_001308166.2); c.1422G>T, p.Leu474= (NM_001374355.1); c.1386G>T, p.Leu462= (NM_001374356.1); c.1278G>T, p.Leu426= (NM_001374357.1); c.1044G>T, p.Leu348= (NM_001374358.1); c.936G>T, p.Leu312= (NM_001374359.1, NM_001374360.1); c.819G>T, p.Leu273= (NM_001374361.1).
Identifiers: ClinVar variation 3057665 (VCV003057665.2), dbSNP rs1418751403, ClinGen allele CA436486208.

ClinVar aggregate classification (germline): Likely benign (0 of 4 stars; one submission).

Conditions:
GFM1-related disorder. Also called: GFM1-related condition.

Submission:

PreventionGenetics, part of Exact Sciences
Classification: Likely benign for GFM1-related condition. Last evaluated: 2019-04-24. Review status: no assertion criteria provided. Collection method: clinical testing. Allele origin: germline.
Comment: This variant is classified as likely benign based on ACMG/AMP sequence variant interpretation guidelines (Richards et al. 2015 PMID: 25741868, with internal and published modifications).